The following is an entry in ClinVar:

ClinVar aggregate classification (germline): Uncertain significance (1 of 4 stars; one submission).

Submission:

GeneDx
Classification: Uncertain significance. Last evaluated: 2025-04-02. Review status: criteria provided, single submitter. Criteria: GeneDx Variant Classification Process June 2021. Collection method: clinical testing. Allele origin: germline. Affected: yes.
Comment: Not observed at significant frequency in large population cohorts (gnomAD); In silico analysis supports that this missense variant has a deleterious effect on protein structure/function; Has not been previously published as pathogenic or benign to our knowledge

NM_001287491.2(TET3):c.2756C>A (p.Ala919Asp)

Gene: TET3 (tet methylcytosine dioxygenase 3; plus strand). Cytogenetic location: 2p13.1.
Variant type: single nucleotide variant.
Coding change: c.2756C>A on transcript NM_001287491.2 (MANE Select); coding-DNA position 2756, C replaced by A.
Protein change: p.Ala919Asp; replaces alanine 919 with aspartic acid.
Molecular consequence: missense variant.
Genome position (GRCh38, 1-based): chr2:74,087,906, C>A. VCF-style: chr2-74087906-C-A. GRCh37 (hg19) VCF-style: chr2-74315033-C-A.
Other names: c.2477C>A, p.Ala826Asp (NM_001366022.1); short protein forms A826D, A919D.
Identifiers: ClinVar variation 4278813 (VCV004278813.1).